The following is an entry in ClinVar:

ClinVar aggregate classification (germline): Pathogenic/Likely pathogenic. Review status: criteria provided, multiple submitters, no conflicts (2 of 4 stars). 3 submissions from 3 submitters: Pathogenic (2); Likely pathogenic (1). Last evaluated 2026-08-14.

Conditions:
Intellectual developmental disorder, autosomal dominant 57. Also called: MENTAL RETARDATION, AUTOSOMAL DOMINANT 57; Intellectual disability, autosomal dominant 57. Identifiers: MedGen C4748003, MONDO:0054837, OMIM 618050.
TLK2-related disorder. Also called: TLK2-related condition.

Submissions (3):

GeneDx
Classification: Pathogenic. Last evaluated: 2026-08-14. Review status: criteria provided, single submitter. Criteria: GeneDx Variant Classification Process June 2021. Collection method: clinical testing. Allele origin: germline.
Comment: Reported in a patient undergoing reanalysis of clinical exome sequencing data, however clinical information was not provided (PMID: 31216405); Nonsense variant predicted to result in protein truncation, as the last 48 amino acid(s) are lost, and other loss-of-function variants have been reported downstream in HGMD; Not observed at significant frequency in large population cohorts (gnomAD); This variant is associated with the following publications: (PMID: 31216405)

Blueprint Genetics
Classification: Likely pathogenic for TLK2-related disorders. Last evaluated: 2022-04-29. Review status: criteria provided, single submitter. Criteria: ACMG Guidelines, 2015. Collection method: clinical testing. Allele origin: germline. Affected: yes. Observed: 1 variant allele.

Baylor Genetics
Classification: Pathogenic for Intellectual developmental disorder, autosomal dominant 57. Last evaluated: 2017-12-31. Review status: criteria provided, single submitter. Criteria: ACMG Guidelines, 2015. Collection method: clinical testing. Allele origin: germline. Affected: yes.

NM_006852.6(TLK2):c.2107C>T (p.Arg703Ter)

Gene: TLK2 (tousled like kinase 2; plus strand). Cytogenetic location: 17q23.2.
Variant type: single nucleotide variant.
Coding change: c.2107C>T on transcript NM_006852.6 (MANE Select); coding-DNA position 2107, C replaced by T.
Protein change: p.Arg703Ter; replaces arginine 703 with a stop codon.
Molecular consequence: nonsense.
Genome position (GRCh38, 1-based): chr17:62,612,419, C>T. VCF-style: chr17-62612419-C-T. GRCh37 (hg19) VCF-style: chr17-60689780-C-T.
Other names: c.2173C>T, p.Arg725Ter (NM_001284333.3); c.2011C>T, p.Arg671Ter (NM_001284363.1, NM_001375272.1); c.1660C>T, p.Arg554Ter (NM_001330418.3, NM_001375273.1); c.2149C>T, p.Arg717Ter (NM_001375269.1); c.2107C>T, p.Arg703Ter (NM_001375270.1, NM_001375271.1); short protein forms R554*, R703*, R725*, R671*, R717*.
Identifiers: ClinVar variation 689792 (VCV000689792.7), dbSNP rs1598940393, ClinGen allele CA400516178.
Genomic context (GRCh38, chr17:62,612,419, plus strand): 5'-CTGCCTCTGTCTTCAAGAAACTCTCCTTTGCAGGCGTTTATTCGACGATGCTTGGCCTAC[C>T]GAAAGGAGGACCGCATTGATGTCCAGCAGCTGGCCTGTGATCCCTACTTGTTGCCTCACA-3'